The following is an entry in ClinVar:

ClinVar aggregate classification (germline): Uncertain significance (1 of 4 stars; one submission).

Conditions:
Cystic fibrosis (CF). Also called: MUCOVISCIDOSIS. Identifiers: Orphanet 586, MedGen C0010674, MONDO:0009061, OMIM 219700. Disease mechanism: loss of function.

Submission:

Ambry Genetics
Classification: Uncertain significance for Cystic fibrosis. Last evaluated: 2021-12-13. Review status: criteria provided, single submitter. Criteria: Ambry Variant Classification Scheme 2023. Collection method: clinical testing. Allele origin: germline.
Comment: The p.A223S variant (also known as c.667G>T), located in coding exon 6 of the CFTR gene, results from a G to T substitution at nucleotide position 667. The alanine at codon 223 is replaced by serine, an amino acid with similar properties. This amino acid position is conserved. In addition, the in silico prediction for this alteration is inconclusive. Since supporting evidence is limited at this time, the clinical significance of this alteration remains unclear.

NM_000492.4(CFTR):c.667G>T (p.Ala223Ser)

Gene: CFTR (CF transmembrane conductance regulator; plus strand). Cytogenetic location: 7q31.2.
Variant type: single nucleotide variant.
Coding change: c.667G>T on transcript NM_000492.4 (MANE Select); coding-DNA position 667, G replaced by T.
Protein change: p.Ala223Ser; replaces alanine 223 with serine.
Molecular consequence: missense variant.
Genome position (GRCh38, 1-based): chr7:117,535,335, G>T. VCF-style: chr7-117535335-G-T. GRCh37 (hg19) VCF-style: chr7-117175389-G-T.
Other names: short protein forms A223S.
Identifiers: ClinVar variation 1754851 (VCV001754851.2), dbSNP rs2485017147, ClinGen allele CA368976998.
Genomic context (GRCh38, chr7:117,535,335, plus strand): 5'-ATCGCTCCTTTGCAAGTGGCACTCCTCATGGGGCTAATCTGGGAGTTGTTACAGGCGTCT[G>T]CCTTCTGTGGACTTGGTTTCCTGATAGTCCTTGCCCTTTTTCAGGCTGGGCTAGGGAGAA-3'
Protein context (NP_000483.3, residues 213-233): GLIWELLQAS[Ala223Ser]FCGLGFLIVL